The following is an entry in ClinVar:

ClinVar aggregate classification (germline): Uncertain significance. Review status: criteria provided, multiple submitters, no conflicts (2 of 4 stars). 3 submissions from 3 submitters: Uncertain significance (3). Last evaluated 2025-01-13.

Allele frequency attached by ClinVar (database versions not stated): ExAC 0.00007; gnomAD exomes 0.00010 and 0.00024; gnomAD 0.00014 and 0.00016; TOPMed 0.00015; ESP Exome Variant Server 0.00023.
gnomAD v4.1: 405 of 1,612,886 alleles (0.025%); highest among the groups gnomAD compares: Non-Finnish European, 0.03%; no homozygotes.

Submissions (3):

Labcorp Genetics (formerly Invitae), Labcorp
Classification: Uncertain significance. Last evaluated: 2025-01-13. Review status: criteria provided, single submitter. Criteria: Invitae Variant Classification Sherloc (09022015). Collection method: clinical testing. Allele origin: germline.
Comment: This sequence change replaces histidine, which is basic and polar, with tyrosine, which is neutral and polar, at codon 89 of the SAMD11 protein (p.His89Tyr). This variant is present in population databases (rs144317111, gnomAD 0.02%). This variant has not been reported in the literature in individuals affected with SAMD11-related conditions. ClinVar contains an entry for this variant (Variation ID: 943630). An algorithm developed to predict the effect of missense changes on protein structure and function (PolyPhen-2) suggests that this variant is likely to be disruptive. In summary, the available evidence is currently insufficient to determine the role of this variant in disease. Therefore, it has been classified as a Variant of Uncertain Significance.

Blueprint Genetics
Classification: Uncertain significance. Last evaluated: 2024-10-01. Review status: criteria provided, single submitter. Criteria: ACMG Guidelines, 2015. Collection method: clinical testing. Allele origin: germline.

Ambry Genetics
Classification: Uncertain significance. Last evaluated: 2021-10-27. Review status: criteria provided, single submitter. Criteria: Ambry Variant Classification Scheme 2023. Collection method: clinical testing. Allele origin: germline.

NM_001385641.1(SAMD11):c.802C>T (p.His268Tyr)

Gene: SAMD11 (sterile alpha motif domain containing 11; plus strand). Cytogenetic location: 1p36.33.
Variant type: single nucleotide variant.
Coding change: c.802C>T on transcript NM_001385641.1 (MANE Select); coding-DNA position 802, C replaced by T.
Protein change: p.His268Tyr; replaces histidine 268 with tyrosine.
Molecular consequence: missense variant.
Genome position (GRCh38, 1-based): chr1:931,049, C>T. VCF-style: chr1-931049-C-T. GRCh37 (hg19) VCF-style: chr1-866429-C-T.
Other names: c.802C>T, p.His268Tyr (NM_001385640.1); c.265C>T, p.His89Tyr (NM_152486.4); short protein forms H89Y, H268Y.
Identifiers: ClinVar variation 943630 (VCV000943630.9), dbSNP rs144317111, ClinGen allele CA502495.